The following is an entry in ClinVar:

ClinVar aggregate classification (germline): Uncertain significance (1 of 4 stars; one submission).

Conditions:
Hereditary cancer-predisposing syndrome. Also called: Hereditary neoplastic syndrome; Neoplastic Syndromes, Hereditary; Tumor predisposition; Hereditary Cancer Syndrome. Identifiers: Orphanet 140162, MedGen C0027672, MeSH D009386, MONDO:0015356.

Submission:

Ambry Genetics
Classification: Uncertain significance for Hereditary cancer-predisposing syndrome. Last evaluated: 2025-03-14. Review status: criteria provided, single submitter. Criteria: Ambry Variant Classification Scheme 2023. Collection method: clinical testing. Allele origin: germline.
Comment: The c.1283-2A>G intronic variant results from an A to G substitution two nucleotides before coding exon 6 of the ALK gene. This nucleotide position is highly conserved in available vertebrate species. In silico splice site analysis predicts that this alteration will weaken the native splice acceptor site. Alterations that disrupt the canonical splice site are expected to cause aberrant splicing, resulting in an abnormal protein or a transcript that is subject to nonsense-mediated mRNA decay. However, loss of function of ALK has not been established as a mechanism of disease. Based on the available evidence, the clinical significance of this alteration remains unclear.

NM_004304.5(ALK):c.1283-2A>G

Gene: ALK (ALK receptor tyrosine kinase; minus strand). Cytogenetic location: 2p23.2.
Variant type: single nucleotide variant.
Coding change: c.1283-2A>G on transcript NM_004304.5 (MANE Select); the canonical splice acceptor site of the intron before coding-DNA position 1283, A replaced by G.
Molecular consequence: splice acceptor variant.
Genome position (GRCh38, 1-based): chr2:29,328,483, T>C on the plus strand (A>G on the coding strand, the complement: ALK is on the minus strand). VCF-style: chr2-29328483-T-C. GRCh37 (hg19) VCF-style: chr2-29551349-T-C.
Identifiers: ClinVar variation 3855902 (VCV003855902.1).